The following is an entry in ClinVar:

NM_000329.3(RPE65):c.304G>A (p.Glu102Lys)

Gene: RPE65 (retinoid isomerohydrolase RPE65; minus strand). Cytogenetic location: 1p31.3.
Variant type: single nucleotide variant.
Coding change: c.304G>A on transcript NM_000329.3 (MANE Select); coding-DNA position 304, G replaced by A.
Protein change: p.Glu102Lys; replaces glutamic acid 102 with lysine.
Molecular consequence: missense variant.
Genome position (GRCh38, 1-based): chr1:68,444,825, C>T on the plus strand (G>A on the coding strand, the complement: RPE65 is on the minus strand). VCF-style: chr1-68444825-C-T. GRCh37 (hg19) VCF-style: chr1-68910508-C-T.
Other names: short protein forms E102K.
Identifiers: ClinVar variation 98862 (VCV000098862.3), dbSNP rs62642584, ClinGen allele CA226539.

ClinVar aggregate classification (germline): Likely pathogenic. Review status: criteria provided, multiple submitters, no conflicts (2 of 4 stars). 3 submissions from 3 submitters: Likely pathogenic (2). 1 of the submissions does not count toward it. Last evaluated 2025-03-25.

Conditions:
Leber congenital amaurosis 2 (LCA2). Also called: Autosomal Recessive RPE65-Related Retinal Degeneration; AMAUROSIS CONGENITA OF LEBER II. Identifiers: Orphanet 65, MedGen C1859844, MONDO:0008765, OMIM 204100. Disease mechanism: loss of function.
Retinitis pigmentosa 20 (RP20). Identifiers: Orphanet 791, MedGen C3151086, MONDO:0013425, OMIM 613794.
Retinitis pigmentosa 87 with choroidal involvement. Identifiers: MedGen C5231465, MONDO:0032873, OMIM 618697.
Leber congenital amaurosis (LCA). Also called: Leber's amaurosis. Identifiers: Orphanet 65, MedGen C0339527, MeSH D057130, MONDO:0018998.

Submissions (3):

Natera, Inc.
Classification: Likely pathogenic for Leber congenital amaurosis. Last evaluated: 2025-03-25. Review status: criteria provided, single submitter. Criteria: Natera Variant Classification Schema (03/2026). Collection method: clinical testing. Allele origin: germline.
Comment: The c.304G>A variant in RPE65 is a missense variant predicted to cause substitution of glutamic acid to lysine at amino acid 102. This variant is rare in the general population with a frequency below the threshold expected for the associated phenotype(s). This variant has been observed in one or more individuals affected with the associated recessive disease, as either homozygous or compound heterozygous with a second variant (PMID: 24465873, 35129589, 9501220, 30268864). Additionally, this variant has been observed to segregate in affected family members (PMID: 24465873). Computational prediction algorithms indicate this variant is likely to affect gene or protein function. Given the available evidence, this variant is classified as Likely Pathogenic.

Fulgent Genetics
Classification: Likely pathogenic for Leber congenital amaurosis 2; Retinitis pigmentosa 20; Retinitis pigmentosa 87 with choroidal involvement. Last evaluated: 2024-05-22. Review status: criteria provided, single submitter. Criteria: ACMG Guidelines, 2015. Collection method: clinical testing. Allele origin: germline.

Retina International
No classification provided. Review status: no classification provided. Collection method: not provided. Allele origin: not provided. Not counted in ClinVar's aggregate classification.

Literature cited by the submitters: PubMed 24465873 (cited by Natera, Inc.); PubMed 35129589 (cited by Natera, Inc.); PubMed 9501220 (cited by Natera, Inc.); PubMed 30268864 (cited by Natera, Inc.).